The following is an entry in ClinVar:

NM_000553.6(WRN):c.221C>T (p.Ser74Leu)

Gene: WRN (WRN RecQ like helicase; plus strand). Cytogenetic location: 8p12.
Variant type: single nucleotide variant.
Coding change: c.221C>T on transcript NM_000553.6 (MANE Select); coding-DNA position 221, C replaced by T.
Protein change: p.Ser74Leu; replaces serine 74 with leucine.
Molecular consequence: missense variant.
Genome position (GRCh38, 1-based): chr8:31,064,300, C>T. VCF-style: chr8-31064300-C-T. GRCh37 (hg19) VCF-style: chr8-30921816-C-T.
Other names: short protein forms S74L.
Identifiers: ClinVar variation 238137 (VCV000238137.6), dbSNP rs878854135, ClinGen allele CA10582578.

ClinVar aggregate classification (germline): Uncertain significance (1 of 4 stars; one submission).

Conditions:
Werner syndrome (WRN). Identifiers: Orphanet 902, MedGen C0043119, MONDO:0010196, OMIM 277700.

Submission:

Labcorp Genetics (formerly Invitae), Labcorp
Classification: Uncertain significance for Werner syndrome. Last evaluated: 2019-01-11. Review status: criteria provided, single submitter. Criteria: Invitae Variant Classification Sherloc (09022015). Collection method: clinical testing. Allele origin: germline.
Comment: This sequence change replaces serine with leucine at codon 74 of the WRN protein (p.Ser74Leu). The serine residue is moderately conserved and there is a large physicochemical difference between serine and leucine. This variant is not present in population databases (ExAC no frequency). In summary, the available evidence is currently insufficient to determine the role of this variant in disease. Therefore, it has been classified as a Variant of Uncertain Significance. Algorithms developed to predict the effect of missense changes on protein structure and function are either unavailable or do not agree on the potential impact of this missense change (SIFT: "Deleterious"; PolyPhen-2: "Benign"; Align-GVGD: "Class C0"). This variant has not been reported in the literature in individuals with WRN-related conditions. ClinVar contains an entry for this variant (Variation ID: 238137).